The following is an entry in ClinVar:

ClinVar aggregate classification (germline): Uncertain significance. Review status: criteria provided, multiple submitters, no conflicts (2 of 4 stars). 2 submissions from 2 submitters: Uncertain significance (2). Last evaluated 2025-07-19.

Conditions:
Rhabdoid tumor predisposition syndrome 2 (RTPS2). Identifiers: Orphanet 231108, Orphanet 69077, MedGen C2750074, MONDO:0013224, OMIM 613325.
Hereditary cancer-predisposing syndrome. Also called: Tumor predisposition; Hereditary neoplastic syndrome; Neoplastic Syndromes, Hereditary; Hereditary Cancer Syndrome. Identifiers: Orphanet 140162, MedGen C0027672, MeSH D009386, MONDO:0015356.

Submissions (2):

Ambry Genetics
Classification: Uncertain significance for Hereditary cancer-predisposing syndrome. Last evaluated: 2025-07-19. Review status: criteria provided, single submitter. Criteria: Ambry Variant Classification Scheme 2023. Collection method: clinical testing. Allele origin: germline.
Comment: The c.4918dupC variant, located in coding exon 34 of the SMARCA4 gene, results from a duplication of C at nucleotide position 4918, causing a translational frameshift with a predicted alternate stop codon (p.R1640Pfs*21). This alteration occurs at the 3' terminus of theSMARCA4 gene, is not expected to trigger nonsense-mediated mRNAdecay, and only impacts the last 2.4% of the protein. The exact functional effect of this alteration is unknown. Based on the available evidence, the clinical significance of this variant remains unclear.

Labcorp Genetics (formerly Invitae), Labcorp
Classification: Uncertain significance for Rhabdoid tumor predisposition syndrome 2. Last evaluated: 2025-06-11. Review status: criteria provided, single submitter. Criteria: Invitae Variant Classification Sherloc (09022015). Collection method: clinical testing. Allele origin: germline.
Comment: This sequence change creates a premature translational stop signal (p.Arg1640Profs*21) in the SMARCA4 gene. While this is not anticipated to result in nonsense mediated decay, it is expected to disrupt the last 40 amino acid(s) of the SMARCA4 protein. This variant is not present in population databases (gnomAD no frequency). This variant has not been reported in the literature in individuals affected with SMARCA4-related conditions. ClinVar contains an entry for this variant (Variation ID: 950699). Experimental studies and prediction algorithms are not available or were not evaluated, and the functional significance of this variant is currently unknown. In summary, the available evidence is currently insufficient to determine the role of this variant in disease. Therefore, it has been classified as a Variant of Uncertain Significance.

NM_003072.5(SMARCA4):c.4822dup (p.Arg1608fs)

Gene: SMARCA4 (SWI/SNF related BAF chromatin remodeling complex subunit ATPase 4; plus strand). Cytogenetic location: 19p13.2.
Variant type: Duplication.
Coding change: c.4822dup on transcript NM_003072.5 (MANE Select); coding-DNA position 4822, one base duplicated (C; older notation c.4822dupC).
Protein change: p.Arg1608fs; shifts the reading frame from arginine 1608.
Molecular consequence: frameshift variant. On other transcripts: non-coding transcript variant (1).
Genome position (GRCh38, 1-based): chr19:11,060,098, C duplicated; the last of 2 consecutive C bases (chr19:11,060,097-11,060,098); duplicating either gives the same sequence. VCF-style (leftmost placement, unchanged base first): chr19-11060096-A-AC. GRCh37 (hg19) VCF-style: chr19-11170772-A-AC.
Other names: c.4822dup, p.Arg1608fs (NM_001128844.3); c.4732dup, p.Arg1578fs (NM_001128845.2); c.4729dup, p.Arg1577fs (NM_001128846.2); c.4723dup, p.Arg1575fs (NM_001128847.4, NM_001374457.1); c.4720dup, p.Arg1574fs (NM_001128848.2); c.4918dup, p.Arg1640fs (NM_001128849.3); c.4918dupC (NM_001128849.1); short protein forms R1574fs, R1577fs, R1578fs, R1640fs, R1575fs, R1608fs.
Identifiers: ClinVar variation 950699 (VCV000950699.10), dbSNP rs2076776472, ClinGen allele CA1139666239.